The following is an entry in ClinVar:

ClinVar aggregate classification (germline): Uncertain significance (1 of 4 stars; one submission).

Conditions:
Left ventricular noncompaction 8 (LVNC8). Identifiers: Orphanet 154, Orphanet 54260, MedGen C3809288, MONDO:0014152, OMIM 615373.

Submission:

Labcorp Genetics (formerly Invitae), Labcorp
Classification: Uncertain significance for Left ventricular noncompaction 8. Last evaluated: 2025-08-26. Review status: criteria provided, single submitter. Criteria: Invitae Variant Classification Sherloc (09022015). Collection method: clinical testing. Allele origin: germline.
Comment: This sequence change creates a premature translational stop signal (p.Ser466Alafs*3) in the PRDM16 gene. It is expected to result in an absent or disrupted protein product. However, the current clinical and genetic evidence is not sufficient to establish whether loss-of-function variants in PRDM16 cause disease. This variant is not present in population databases (gnomAD no frequency). This variant has not been reported in the literature in individuals affected with PRDM16-related conditions. In summary, the available evidence is currently insufficient to determine the role of this variant in disease. Therefore, it has been classified as a Variant of Uncertain Significance.

NM_022114.4(PRDM16):c.1395del (p.Ser466fs)

Gene: PRDM16 (PR/SET domain 16; plus strand). Cytogenetic location: 1p36.32.
Variant type: Deletion.
Coding change: c.1395del on transcript NM_022114.4 (MANE Select); coding-DNA position 1395, one base deleted (C; older notation c.1395delC).
Protein change: p.Ser466fs; shifts the reading frame from serine 466.
Molecular consequence: frameshift variant.
Genome position (GRCh38, 1-based): chr1:3,411,592, C deleted; the last of 5 consecutive C bases (chr1:3,411,588-3,411,592); deleting any one gives the same sequence. VCF-style (leftmost placement, unchanged base first): chr1-3411587-AC-A. GRCh37 (hg19) VCF-style: chr1-3328151-AC-A.
Other names: c.1395del, p.Ser466fs (NM_199454.3); short protein forms S466fs.
Identifiers: ClinVar variation 4726094 (VCV004726094.1).